The following is an entry in ClinVar:

ClinVar aggregate classification (germline): Uncertain significance (1 of 4 stars; one submission).

Conditions:
Hypertrophic cardiomyopathy. Also called: HYPERTROPHIC MYOCARDIOPATHY. Identifiers: Orphanet 217569, MedGen C0007194, MeSH D002312, MONDO:0005045, HP:0001639.

Allele frequency attached by ClinVar (database versions not stated): gnomAD exomes 0.00001.
gnomAD v4.1: 6 of 1,613,862 alleles (0.00037%); highest among the groups gnomAD compares: Non-Finnish European, 0.00051%; no homozygotes.

Submission:

Labcorp Genetics (formerly Invitae), Labcorp
Classification: Uncertain significance for Hypertrophic cardiomyopathy. Last evaluated: 2022-06-29. Review status: criteria provided, single submitter. Criteria: Invitae Variant Classification Sherloc (09022015). Collection method: clinical testing. Allele origin: germline.
Comment: This sequence change creates a premature translational stop signal (p.Gln1541*) in the MYOM1 gene. It is expected to result in an absent or disrupted protein product. However, the current clinical and genetic evidence is not sufficient to establish whether loss-of-function variants in MYOM1 cause disease. In summary, the available evidence is currently insufficient to determine the role of this variant in disease. Therefore, it has been classified as a Variant of Uncertain Significance. This variant has not been reported in the literature in individuals affected with MYOM1-related conditions. This variant is not present in population databases (gnomAD no frequency).

NM_003803.4(MYOM1):c.4621C>T (p.Gln1541Ter)

Gene: MYOM1 (myomesin 1; minus strand). Cytogenetic location: 18p11.31.
Variant type: single nucleotide variant.
Coding change: c.4621C>T on transcript NM_003803.4 (MANE Select); coding-DNA position 4621, C replaced by T.
Protein change: p.Gln1541Ter; replaces glutamine 1541 with a stop codon.
Molecular consequence: nonsense.
Genome position (GRCh38, 1-based): chr18:3,079,206, G>A on the plus strand (C>T on the coding strand, the complement: MYOM1 is on the minus strand). VCF-style: chr18-3079206-G-A. GRCh37 (hg19) VCF-style: chr18-3079204-G-A.
Other names: c.4333C>T, p.Gln1445Ter (NM_019856.2); short protein forms Q1541*, Q1445*.
Identifiers: ClinVar variation 2051655 (VCV002051655.4), dbSNP rs2510472188, ClinGen allele CA401707994.